The following is an entry in ClinVar:

NM_000262.3(NAGA):c.487G>A (p.Glu163Lys)

Genes: NAGA (alpha-N-acetylgalactosaminidase; minus strand), LOC126863160 (CDK7 strongly-dependent group 2 enhancer GRCh37_chr22:42462918-42464117; plus strand). Cytogenetic location: 22q13.2.
Variant type: single nucleotide variant.
Coding change: c.487G>A on transcript NM_000262.3 (MANE Select); coding-DNA position 487, G replaced by A.
Protein change: p.Glu163Lys; replaces glutamic acid 163 with lysine.
Molecular consequence: missense variant.
Genome position (GRCh38, 1-based): chr22:42,067,128, C>T on the plus strand (G>A on the coding strand, the complement: NAGA is on the minus strand). VCF-style: chr22-42067128-C-T. GRCh37 (hg19) VCF-style: chr22-42463132-C-T.
Other names: c.487G>A, p.Glu163Lys (NM_001362848.1, NM_001362850.1); short protein forms E163K.
Identifiers: ClinVar variation 660319 (VCV000660319.9), dbSNP rs372458856, ClinGen allele CA10263808.
Genomic context (GRCh38, chr22:42,067,128, plus strand): 5'-ACCCTCCCCGTTTGCCTACGTGCCCCAGCCAGCTGCGTAACTCACCCTGGGCCCGCTCCT[C>T]GGGGGTGGAGAAGCAGCCATCCAGCTTGAGCATGTCTACCTTCCACTCGGCGAAGGTCTG-3'
Protein context (NP_000253.1, residues 153-173): LKLDGCFSTP[Glu163Lys]ERAQGYPKMA

ClinVar aggregate classification (germline): Uncertain significance (1 of 4 stars; one submission).

Conditions:
Alpha-N-acetylgalactosaminidase deficiency type 2. Also called: NAGA DEFICIENCY, TYPE II; SCHINDLER DISEASE, TYPE II; ALPHA-N-ACETYLGALACTOSAMINIDASE DEFICIENCY, TYPE II. Identifiers: Orphanet 3137, Orphanet 79280, MedGen C1836522, MONDO:0012222, OMIM 609242.
Alpha-N-acetylgalactosaminidase deficiency type 3. Also called: Schindler disease, type 3; SCHINDLER DISEASE, TYPE III; ALPHA-N-ACETYLGALACTOSAMINIDASE DEFICIENCY, TYPE III. Identifiers: Orphanet 79281, MedGen C5437471, MONDO:0019264.
Alpha-N-acetylgalactosaminidase deficiency type 1. Also called: NAGA DEFICIENCY, TYPE I; NEUROAXONAL DYSTROPHY, SCHINDLER TYPE; SCHINDLER DISEASE, TYPE I; ALPHA-N-ACETYLGALACTOSAMINIDASE DEFICIENCY, TYPE I. Identifiers: Orphanet 3137, Orphanet 79279, Orphanet 79281, MedGen C1836544, MONDO:0012221, OMIM 609241.

Allele frequency attached by ClinVar (database versions not stated): TOPMed 0.00002; ExAC 0.00003; gnomAD 0.00003 and 0.00004; ESP Exome Variant Server 0.00008.
gnomAD v4.1: 141 of 1,613,918 alleles (0.0087%); highest among the groups gnomAD compares: Non-Finnish European, 0.011%; no homozygotes.

Submission:

Labcorp Genetics (formerly Invitae), Labcorp
Classification: Uncertain significance for Alpha-N-acetylgalactosaminidase deficiency type 1. Last evaluated: 2022-07-18. Review status: criteria provided, single submitter. Criteria: Invitae Variant Classification Sherloc (09022015). Collection method: clinical testing. Allele origin: germline.
Comment: This sequence change replaces glutamic acid, which is acidic and polar, with lysine, which is basic and polar, at codon 163 of the NAGA protein (p.Glu163Lys). This variant is present in population databases (rs372458856, gnomAD 0.01%). This variant has not been reported in the literature in individuals affected with NAGA-related conditions. ClinVar contains an entry for this variant (Variation ID: 660319). Algorithms developed to predict the effect of missense changes on protein structure and function output the following: SIFT: "Tolerated"; PolyPhen-2: "Benign"; Align-GVGD: "Class C0". The lysine amino acid residue is found in multiple mammalian species, which suggests that this missense change does not adversely affect protein function. In summary, the available evidence is currently insufficient to determine the role of this variant in disease. Therefore, it has been classified as a Variant of Uncertain Significance.